The following is an entry in ClinVar:

ClinVar aggregate classification (germline): Uncertain significance (1 of 4 stars; one submission).

gnomAD v4.1: 4 of 1,606,518 alleles (0.00025%); highest among the groups gnomAD compares: Non-Finnish European, 0.00034%; no homozygotes.

Submission:

Women's Health and Genetics/Laboratory Corporation of America, LabCorp
Classification: Uncertain significance. Last evaluated: 2024-11-19. Review status: criteria provided, single submitter. Criteria: LabCorp Variant Classification Summary - May 2015. Collection method: clinical testing. Allele origin: germline.
Comment: Variant summary: WFS1 c.711G>A (p.Glu237Glu) alters a non-conserved nucleotide located close to a canonical splice site and therefore could affect mRNA splicing, leading to a significantly altered protein sequence. Consensus agreement among computation tools predict no significant impact on normal splicing. However, these predictions have yet to be confirmed by functional studies. The frequency data for this variant in gnomAD is considered unreliable, as metrics indicate poor data quality at this position. To our knowledge, no occurrence of c.711G>A in individuals affected with Wolfram Syndrome 1 and no experimental evidence demonstrating its impact on protein function have been reported. No submitters have cited clinical-significance assessments for this variant to ClinVar. Based on the evidence outlined above, the variant was classified as uncertain significance.

NM_006005.3(WFS1):c.711G>A (p.Glu237=)

Gene: WFS1 (wolframin ER transmembrane glycoprotein; plus strand). Cytogenetic location: 4p16.1.
Variant type: single nucleotide variant.
Coding change: c.711G>A on transcript NM_006005.3 (MANE Select); coding-DNA position 711, G replaced by A.
Protein change: p.Glu237=; no amino-acid change (glutamic acid 237 retained).
Molecular consequence: synonymous variant.
Genome position (GRCh38, 1-based): chr4:6,291,996, G>A. VCF-style: chr4-6291996-G-A. GRCh37 (hg19) VCF-style: chr4-6293723-G-A.
Other names: c.711G>A, p.Glu237= (NM_001145853.1).
Identifiers: ClinVar variation 3629985 (VCV003629985.1).